The following is an entry in ClinVar:

ClinVar aggregate classification (germline): Likely benign. Review status: reviewed by expert panel (3 of 4 stars). 30 submissions from 30 submitters: Likely benign (1). 29 of the submissions do not count toward it. Last evaluated 2013-09-05.

Conditions:
Hereditary nonpolyposis colorectal neoplasms. Identifiers: MedGen C0009405, MeSH D003123.
Hereditary cancer-predisposing syndrome. Also called: Tumor predisposition; Neoplastic Syndromes, Hereditary; Hereditary Cancer Syndrome; Hereditary neoplastic syndrome. Identifiers: Orphanet 140162, MedGen C0027672, MeSH D009386, MONDO:0015356.
Lynch syndrome. Identifiers: Orphanet 144, MedGen C4552100, MONDO:0005835. Disease mechanism: loss of function.
Lynch syndrome 4 (LYNCH4). Also called: Hereditary non-polyposis colorectal cancer, type 4; Colorectal cancer, hereditary nonpolyposis, type 4. Identifiers: Orphanet 144, MedGen C1838333, MONDO:0013699, OMIM 614337. Disease mechanism: loss of function.
Carcinoma of colon (CRC). Also called: Colonic carcinoma; Colon carcinoma. Identifiers: MedGen C0699790, MONDO:0002032.

Allele frequency attached by ClinVar (database versions not stated): gnomAD exomes 0.00226; ExAC 0.00244; 1000 Genomes Project 0.00559; ESP Exome Variant Server 0.00638; 1000 Genomes Project 30x 0.00656; gnomAD 0.00732 and 0.00784; TOPMed 0.00884.
gnomAD v4.1: 2,841 of 1,614,158 alleles (0.18%); highest among the groups gnomAD compares: African/African-American, 2.2%; 31 homozygotes.

Submissions 1 to 19 of 30:

International Society for Gastrointestinal Hereditary Tumours (InSiGHT)
Classification: Likely benign for Lynch Syndrome. Last evaluated: 2013-09-05. Review status: reviewed by expert panel. Criteria: Guidelines v1.9. Collection method: research. Allele origin: germline.
Comment: MAF >1% in African population

Classified with v1.9 guidelines

Labcorp Genetics (formerly Invitae), Labcorp
Classification: Benign for Hereditary nonpolyposis colorectal neoplasms. Last evaluated: 2026-02-03. Review status: criteria provided, single submitter. Criteria: Invitae Variant Classification Sherloc (09022015). Collection method: clinical testing. Allele origin: germline. Not counted in ClinVar's aggregate classification.

Dasa
Classification: Benign. Last evaluated: 2025-11-07. Review status: criteria provided, single submitter. Criteria: DASA Assertion Criteria. Collection method: clinical testing. Allele origin: germline. Not counted in ClinVar's aggregate classification.
Comment: NM_000535.7(PMS2):c.1711C>A (p.Leu571Ile) is a missense variant that results in the substitution of leucine with isoleucine. Population frequency is inconsistent with a disease-causing role for this variant, and observations in unaffected individuals support a benign interpretation. Computational prediction algorithms are consistent with a benign effect. Therefore, based on the currently available evidence, this variant is classified as benign.

CeGaT Center for Human Genetics Tuebingen
Classification: Benign. Last evaluated: 2025-06-01. Review status: criteria provided, single submitter. Criteria: CeGaT Center For Human Genetics Tuebingen Variant Classification Criteria Version 2. Collection method: clinical testing. Allele origin: germline. Affected: yes. Observed: 2 variant alleles. Not counted in ClinVar's aggregate classification.
Comment: PMS2: BP4, BS1, BS2

Spanish MMR Variant Interpretation Working Group
Classification: Benign for Hereditary cancer-predisposing syndrome. Last evaluated: 2025-05-05. Review status: criteria provided, single submitter. Criteria: ClinGen CRC ACMG Specifications PMS2 V1.0.0. Collection method: clinical testing. Allele origin: germline. Affected: yes. Not counted in ClinVar's aggregate classification.
Comment: The PMS2 variant c.1711C>A replaces leucine with isoleucine at codon 571 of the PMS2 protein (p.Leu571Ile). The leucine residue is weakly conserved, and there is a small physicochemical difference between leucine and isoleucine. The variant c.1711C>A has a Maximum Credible Allele Frequency (MCAF) above 0.28%  in gnomAD v4.1.0 database (24 homozygotes) (BA1; the allele frequency data may be inaccurate due to possible PMS2CL pseudogene interference). It is a missense variant with a MAPP+PolyPhen-2 prior probability of pathogenicity of <0.11, and it is not predicted to affect splicing according to MaxEntScan/NNSplice/SpliceAI algorithms (BP4). There are no other described class 4/5 variants located at the same residue. Its functional odds for Pathogenicity are between 0.05 and 0.48 as per CIMRA assay (BS3_supp). Based on the available evidence, this variant is classified as Benign (Class 1).

Mayo Clinic Laboratories, Mayo Clinic
Classification: Benign. Last evaluated: 2025-03-07. Review status: criteria provided, single submitter. Criteria: ACMG Guidelines, 2015. Collection method: clinical testing. Allele origin: germline. Observed: 5 variant alleles. Not counted in ClinVar's aggregate classification.
Comment: BA1, BP4, BP6

Center for Genomic Medicine, Rigshospitalet, Copenhagen University Hospital
Classification: Benign. Last evaluated: 2025-03-04. Review status: criteria provided, single submitter. Criteria: ACMG Guidelines, 2015. Collection method: clinical testing. Allele origin: germline. Not counted in ClinVar's aggregate classification.

Myriad Genetics, Inc.
Classification: Benign for Lynch syndrome 4. Last evaluated: 2025-01-31. Review status: criteria provided, single submitter. Criteria: Myriad Autosomal Dominant, Autosomal Recessive and X-Linked Classification Criteria (2023). Collection method: clinical testing. Allele origin: unknown. Not counted in ClinVar's aggregate classification.
Comment: This variant is considered benign. This variant has been observed at a population frequency that is significantly greater than expected given the associated disease prevalence and penetrance.

ARUP Laboratories, Molecular Genetics and Genomics, ARUP Laboratories
Classification: Benign. Last evaluated: 2025-01-21. Review status: criteria provided, single submitter. Criteria: ARUP Molecular Germline Variant Investigation Process 2024. Collection method: clinical testing. Allele origin: germline. Not counted in ClinVar's aggregate classification.

Blueprint Genetics
Classification: Likely benign. Last evaluated: 2024-11-26. Review status: criteria provided, single submitter. Criteria: ACMG Guidelines, 2015. Collection method: clinical testing. Allele origin: germline. Not counted in ClinVar's aggregate classification.

KCCC/NGS Laboratory, Kuwait Cancer Control Center
Classification: Likely benign for Lynch syndrome 4. Last evaluated: 2023-07-07. Review status: criteria provided, single submitter. Criteria: ACMG Guidelines, 2015. Collection method: clinical testing. Allele origin: germline. Affected: yes. Not counted in ClinVar's aggregate classification.

Illumina Laboratory Services, Illumina
Classification: Likely benign for Lynch syndrome 4. Last evaluated: 2018-04-16. Review status: criteria provided, single submitter. Criteria: ICSL Variant Classification Criteria 13 December 2019. Collection method: clinical testing. Allele origin: germline. Not counted in ClinVar's aggregate classification.
Comment: This variant was observed as part of a predisposition screen in an ostensibly healthy population. A literature search was performed for the gene, cDNA change, and amino acid change (where applicable). Publications were found based on this search. The evidence from the literature, in combination with allele frequency data from public databases where available, was sufficient to determine this variant is unlikely to cause disease. Therefore, this variant is classified as likely benign.

Genetic Services Laboratory, University of Chicago
Classification: Benign. Last evaluated: 2017-11-30. Review status: criteria provided, single submitter. Criteria: ACMG Guidelines, 2015. Collection method: clinical testing. Allele origin: germline. Affected: no. Not counted in ClinVar's aggregate classification.

Center for Pediatric Genomic Medicine, Children's Mercy Hospital and Clinics
Classification: Likely benign. Last evaluated: 2017-02-16. Review status: criteria provided, single submitter. Criteria: ACMG Guidelines, 2015. Collection method: clinical testing. Allele origin: germline. Not counted in ClinVar's aggregate classification.
ClinVar note: Converted during submission from Likely Benign to Likely benign.

PreventionGenetics, part of Exact Sciences
Classification: Benign. Last evaluated: 2017-01-06. Review status: criteria provided, single submitter. Criteria: ACMG Guidelines, 2015. Collection method: clinical testing. Allele origin: germline. Not counted in ClinVar's aggregate classification.

Eurofins Ntd Llc (ga)
Classification: Likely benign. Last evaluated: 2016-10-06. Review status: criteria provided, single submitter. Criteria: EGL Classification Definitions 2015. Collection method: clinical testing. Allele origin: germline. Observed: 3 variant alleles, 3 heterozygotes. Not counted in ClinVar's aggregate classification.

Clinical Genetics DNA and cytogenetics Diagnostics Lab, Erasmus MC, Erasmus Medical Center
Classification: Likely benign for Lynch syndrome 4. Last evaluated: 2016-07-19. Review status: criteria provided, single submitter. Criteria: ACGS Guidelines, 2013. Collection method: clinical testing. Allele origin: germline. Affected: yes. Study: VKGL Data-share Consensus. Not counted in ClinVar's aggregate classification.

Genome Diagnostics Laboratory, University Medical Center Utrecht
Classification: Benign for Lynch syndrome 4. Last evaluated: 2016-03-15. Review status: criteria provided, single submitter. Criteria: ACGS Guidelines, 2013. Collection method: clinical testing. Allele origin: germline. Affected: yes. Study: VKGL Data-share Consensus. Not counted in ClinVar's aggregate classification.

Vantari Genetics
Classification: Likely benign for Hereditary cancer-predisposing syndrome. Last evaluated: 2016-01-22. Review status: criteria provided, single submitter. Criteria: ACMG Guidelines, 2015. Collection method: clinical testing. Allele origin: germline. Not counted in ClinVar's aggregate classification.

NM_000535.7(PMS2):c.1711C>A (p.Leu571Ile)

Gene: PMS2 (PMS1 homolog 2, mismatch repair system component; minus strand). Cytogenetic location: 7p22.1.
Variant type: single nucleotide variant.
Coding change: c.1711C>A on transcript NM_000535.7 (MANE Select); coding-DNA position 1711, C replaced by A.
Protein change: p.Leu571Ile; replaces leucine 571 with isoleucine.
Molecular consequence: missense variant. On other transcripts: non-coding transcript variant (1).
Genome position (GRCh38, 1-based): chr7:5,987,054, G>T on the plus strand (C>A on the coding strand, the complement: PMS2 is on the minus strand). VCF-style: chr7-5987054-G-T. GRCh37 (hg19) VCF-style: chr7-6026685-G-T.
Other names: p.L571I:CTC>ATC; c.1306C>A, p.Leu436Ile (NM_001322003.2, NM_001322004.2, NM_001322005.2 and 1 more transcripts); c.1555C>A, p.Leu519Ile (NM_001322006.2); c.1393C>A, p.Leu465Ile (NM_001322007.2, NM_001322008.2); c.1150C>A, p.Leu384Ile (NM_001322010.2); c.778C>A, p.Leu260Ile (NM_001322011.2, NM_001322012.2); c.1138C>A, p.Leu380Ile (NM_001322013.2); c.1711C>A, p.Leu571Ile (NM_001322014.2); and 1 more; short protein forms L571I, L519I, L436I, L260I, L380I, L384I, L465I, L468I.
Identifiers: ClinVar variation 41706 (VCV000041706.68), dbSNP rs63750055, ClinGen allele CA010128.